The following is an entry in ClinVar:

ClinVar aggregate classification (germline): Uncertain significance (1 of 4 stars; one submission).

Submission:

GeneDx
Classification: Uncertain significance. Last evaluated: 2023-04-28. Review status: criteria provided, single submitter. Criteria: GeneDx Variant Classification Process June 2021. Collection method: clinical testing. Allele origin: germline. Affected: yes.
Comment: Has not been previously published as pathogenic or benign to our knowledge; Not observed at significant frequency in large population cohorts (gnomAD); In silico analysis supports that this missense variant has a deleterious effect on protein structure/function

NM_000443.4(ABCB4):c.2453C>A (p.Ala818Asp)

Gene: ABCB4 (ATP binding cassette subfamily B member 4; minus strand). Cytogenetic location: 7q21.12.
Variant type: single nucleotide variant.
Coding change: c.2453C>A on transcript NM_000443.4 (MANE Select); coding-DNA position 2453, C replaced by A.
Protein change: p.Ala818Asp; replaces alanine 818 with aspartic acid.
Molecular consequence: missense variant.
Genome position (GRCh38, 1-based): chr7:87,418,562, G>T on the plus strand (C>A on the coding strand, the complement: ABCB4 is on the minus strand). VCF-style: chr7-87418562-G-T. GRCh37 (hg19) VCF-style: chr7-87047878-G-T.
Other names: c.2453C>A, p.Ala818Asp (NM_018849.3, NM_018850.3); short protein forms A818D.
Identifiers: ClinVar variation 2663604 (VCV002663604.1), dbSNP rs2546775870, ClinGen allele CA368061848.